The following is an entry in ClinVar:

ClinVar aggregate classification (germline): Uncertain significance (1 of 4 stars; one submission).

Conditions:
Hermansky-Pudlak syndrome 2 (HPS2). Also called: Platelet defects and oculocutaneous albinism. Identifiers: Orphanet 183678, Orphanet 79430, MedGen C1842362, MONDO:0011997, OMIM 608233.

Submission:

Labcorp Genetics (formerly Invitae), Labcorp
Classification: Uncertain significance for Hermansky-Pudlak syndrome 2. Last evaluated: 2020-04-17. Review status: criteria provided, single submitter. Criteria: Invitae Variant Classification Sherloc (09022015). Collection method: clinical testing. Allele origin: germline.
Comment: This variant, c.425_427dup, results in the insertion of 1 amino acid(s) to the AP3B1 protein (p.Ile142dup), but otherwise preserves the integrity of the reading frame. This variant has not been reported in the literature in individuals with AP3B1-related conditions. This variant is present in population databases (rs759424724, ExAC 0.01%). In summary, the available evidence is currently insufficient to determine the role of this variant in disease. Therefore, it has been classified as a Variant of Uncertain Significance. Experimental studies and prediction algorithms are not available or were not evaluated, and the functional significance of this variant is currently unknown.

NM_003664.5(AP3B1):c.425_427dup (p.Ile142dup)

Gene: AP3B1 (adaptor related protein complex 3 subunit beta 1; minus strand). Cytogenetic location: 5q14.1.
Variant type: Duplication.
Coding change: c.425_427dup on transcript NM_003664.5 (MANE Select); coding-DNA positions 425 to 427, 3 bases duplicated (TTA; older notation c.425_427dupTTA).
Protein change: p.Ile142dup; duplicates isoleucine 142.
Molecular consequence: inframe insertion.
Genome position (GRCh38, 1-based): chr5:78,227,481-78,227,483, TAA duplicated on the plus strand (TTA on the coding strand, the reverse complement: AP3B1 is on the minus strand); duplicating any 3 consecutive bases within chr5:78,227,481-78,227,485 gives the same sequence; the c. name uses the placement nearest the transcript's 3' end. VCF-style (leftmost placement, unchanged base first): chr5-78227480-C-CTAA. GRCh37 (hg19) VCF-style: chr5-77523304-C-CTAA.
Other names: c.278_280dup, p.Ile93dup (NM_001271769.2).
Identifiers: ClinVar variation 1037600 (VCV001037600.8), dbSNP rs759424724, ClinGen allele CA3317364.